The following is an entry in ClinVar:

ClinVar aggregate classification (germline): Uncertain significance (1 of 4 stars; one submission).

Conditions:
Primary ciliary dyskinesia. Also called: Ciliary dyskinesia. Identifiers: Orphanet 244, MedGen C0008780, MONDO:0016575, HP:0012265.

gnomAD v4.1: 4 of 1,601,400 alleles (0.00025%); highest among the groups gnomAD compares: South Asian, 0.0011%; no homozygotes.

Submission:

Labcorp Genetics (formerly Invitae), Labcorp
Classification: Uncertain significance for Primary ciliary dyskinesia. Last evaluated: 2025-01-20. Review status: criteria provided, single submitter. Criteria: Invitae Variant Classification Sherloc (09022015). Collection method: clinical testing. Allele origin: germline.
Comment: This sequence change replaces serine, which is neutral and polar, with arginine, which is basic and polar, at codon 3042 of the DNAH11 protein (p.Ser3042Arg). This variant is not present in population databases (gnomAD no frequency). This variant has not been reported in the literature in individuals affected with DNAH11-related conditions. ClinVar contains an entry for this variant (Variation ID: 2804139). Invitae Evidence Modeling of protein sequence and biophysical properties (such as structural, functional, and spatial information, amino acid conservation, physicochemical variation, residue mobility, and thermodynamic stability) indicates that this missense variant is not expected to disrupt DNAH11 protein function with a negative predictive value of 95%. In summary, the available evidence is currently insufficient to determine the role of this variant in disease. Therefore, it has been classified as a Variant of Uncertain Significance.

NM_001277115.2(DNAH11):c.9126C>G (p.Ser3042Arg)

Gene: DNAH11 (dynein axonemal heavy chain 11; plus strand). Cytogenetic location: 7p15.3.
Variant type: single nucleotide variant.
Coding change: c.9126C>G on transcript NM_001277115.2 (MANE Select); coding-DNA position 9126, C replaced by G.
Protein change: p.Ser3042Arg; replaces serine 3042 with arginine.
Molecular consequence: missense variant.
Genome position (GRCh38, 1-based): chr7:21,773,789, C>G. VCF-style: chr7-21773789-C-G. GRCh37 (hg19) VCF-style: chr7-21813407-C-G.
Other names: c.9147C>G, p.Ser3049Arg (NM_003777.3); short protein forms S3042R, S3049R.
Identifiers: ClinVar variation 2804139 (VCV002804139.3), dbSNP rs757136516, ClinGen allele CA155081085.